The following is an entry in ClinVar:

ClinVar aggregate classification (germline): Uncertain significance (1 of 4 stars; one submission).

Conditions:
Baller-Gerold syndrome (BGS). Also called: CRANIOSYNOSTOSIS WITH RADIAL DEFECTS. Identifiers: Orphanet 1225, MedGen C0265308, MONDO:0009039, OMIM 218600.

Allele frequency attached by ClinVar (database versions not stated): gnomAD exomes below 0.00001; TOPMed below 0.00001.
gnomAD v4.1: 5 of 1,605,256 alleles (0.00031%); highest among the groups gnomAD compares: Non-Finnish European, 0.00034%; no homozygotes.

Submission:

Labcorp Genetics (formerly Invitae), Labcorp
Classification: Uncertain significance for Baller-Gerold syndrome. Last evaluated: 2024-06-12. Review status: criteria provided, single submitter. Criteria: Invitae Variant Classification Sherloc (09022015). Collection method: clinical testing. Allele origin: germline.
Comment: This sequence change falls in intron 18 of the RECQL4 gene. It does not directly change the encoded amino acid sequence of the RECQL4 protein. It affects a nucleotide within the consensus splice site. This variant is not present in population databases (gnomAD no frequency). This variant has not been reported in the literature in individuals affected with RECQL4-related conditions. ClinVar contains an entry for this variant (Variation ID: 1001222). Variants that disrupt the consensus splice site are a relatively common cause of aberrant splicing (PMID: 17576681, 9536098). Algorithms developed to predict the effect of sequence changes on RNA splicing suggest that this variant is not likely to affect RNA splicing. In summary, the available evidence is currently insufficient to determine the role of this variant in disease. Therefore, it has been classified as a Variant of Uncertain Significance.

Literature cited by the submitters: PubMed 17576681; PubMed 9536098.

NM_004260.4(RECQL4):c.3236+6G>A

Gene: RECQL4 (RecQ like helicase 4; minus strand). Cytogenetic location: 8q24.3.
Variant type: single nucleotide variant.
Coding change: c.3236+6G>A on transcript NM_004260.4 (MANE Select); 6 bases into the intron after coding-DNA position 3236, G replaced by A.
Molecular consequence: intron variant.
Genome position (GRCh38, 1-based): chr8:144,512,138, C>T on the plus strand (G>A on the coding strand, the complement: RECQL4 is on the minus strand). VCF-style: chr8-144512138-C-T. GRCh37 (hg19) VCF-style: chr8-145737521-C-T.
Identifiers: ClinVar variation 1001222 (VCV001001222.5), dbSNP rs1315586319, ClinGen allele CA848891778.